The following is an entry in ClinVar:

ClinVar aggregate classification (germline): Pathogenic (1 of 4 stars; one submission).

Conditions:
Meckel-Gruber syndrome. Also called: GRUBER SYNDROME; DYSENCEPHALIA SPLANCHNOCYSTICA; Dysencephalia splachnocystica. Identifiers: Orphanet 564, MedGen C0265215, MONDO:0018921.
Joubert syndrome. Also called: Familial aplasia of the vermis; JOUBERT-BOLTSHAUSER SYNDROME; CEREBELLOPARENCHYMAL DISORDER IV. Identifiers: Orphanet 475, MedGen C5979921, MONDO:0018772.
Nephronophthisis. Also called: Juvenile Nephronophthisis. Identifiers: Orphanet 655, MedGen C0687120, MONDO:0019005, HP:0000090.

Submission:

Labcorp Genetics (formerly Invitae), Labcorp
Classification: Pathogenic for Joubert syndrome; Meckel-Gruber syndrome; Nephronophthisis. Last evaluated: 2025-10-05. Review status: criteria provided, single submitter. Criteria: Invitae Variant Classification Sherloc (09022015). Collection method: clinical testing. Allele origin: germline.
Comment: This sequence change creates a premature translational stop signal (p.Glu1092Aspfs*27) in the CEP290 gene. It is expected to result in an absent or disrupted protein product. Loss-of-function variants in CEP290 are known to be pathogenic (PMID: 16909394, 17345604, 20690115). This variant is not present in population databases (gnomAD no frequency). This variant has not been reported in the literature in individuals affected with CEP290-related conditions. For these reasons, this variant has been classified as Pathogenic.

Literature cited by the submitters: PubMed 16909394; PubMed 17345604; PubMed 20690115.

NM_025114.4(CEP290):c.3276del (p.Glu1092fs)

Gene: CEP290 (centrosomal protein 290; minus strand). Cytogenetic location: 12q21.32.
Variant type: Deletion.
Coding change: c.3276del on transcript NM_025114.4 (MANE Select); coding-DNA position 3276, one base deleted (A; older notation c.3276delA).
Protein change: p.Glu1092fs; shifts the reading frame from glutamic acid 1092.
Molecular consequence: frameshift variant.
Genome position (GRCh38, 1-based): chr12:88,093,803, T deleted on the plus strand (A on the coding strand, the reverse complement: CEP290 is on the minus strand); the first of 2 consecutive T bases (chr12:88,093,803-88,093,804); deleting either gives the same sequence. VCF-style (leftmost placement, unchanged base first): chr12-88093802-GT-G. GRCh37 (hg19) VCF-style: chr12-88487579-GT-G.
Other names: short protein forms E1092fs.
Identifiers: ClinVar variation 4786321 (VCV004786321.1).
Genomic context (GRCh38, chr12:88,093,802, plus strand): 5'-TTGTATGATAAAACTTATAATATCAAACCTCAGCAAATTTGGTTTCCAATTCAAAATTAC[GT>G]TCCTCCATTTGCTTTAACGAAGTCCGTAAGTGTTCATACATTTTTTGACAATGTTCAGCC-3'